The following is an entry in ClinVar:

ClinVar aggregate classification (germline): Uncertain significance (1 of 4 stars; one submission).

Conditions:
Charcot-Marie-Tooth disease type 4A. Also called: Charcot-Marie-Tooth disease, demyelinating, autosomal recessive, type 4a. Identifiers: Orphanet 99948, MedGen C1859198, MONDO:0008961, OMIM 214400.

Allele frequency attached by ClinVar (database versions not stated): gnomAD exomes below 0.00001.
gnomAD v4.1: 1 of 1,614,178 alleles (0.000062%); highest among the groups gnomAD compares: Non-Finnish European, 0.000085%; no homozygotes.

Submission:

Labcorp Genetics (formerly Invitae), Labcorp
Classification: Uncertain significance for Charcot-Marie-Tooth disease type 4A. Last evaluated: 2023-07-25. Review status: criteria provided, single submitter. Criteria: Invitae Variant Classification Sherloc (09022015). Collection method: clinical testing. Allele origin: germline.
Comment: In summary, the available evidence is currently insufficient to determine the role of this variant in disease. Therefore, it has been classified as a Variant of Uncertain Significance. An algorithm developed to predict the effect of missense changes on protein structure and function (PolyPhen-2) suggests that this variant is likely to be tolerated. This variant has not been reported in the literature in individuals affected with GDAP1-related conditions. This variant is not present in population databases (gnomAD no frequency). This sequence change replaces arginine, which is basic and polar, with serine, which is neutral and polar, at codon 315 of the GDAP1 protein (p.Arg315Ser).

NM_018972.4(GDAP1):c.945G>C (p.Arg315Ser)

Gene: GDAP1 (ganglioside induced differentiation associated protein 1; plus strand). Cytogenetic location: 8q21.11.
Variant type: single nucleotide variant.
Coding change: c.945G>C on transcript NM_018972.4 (MANE Select); coding-DNA position 945, G replaced by C.
Protein change: p.Arg315Ser; replaces arginine 315 with serine.
Molecular consequence: missense variant. On other transcripts: intron variant (1).
Genome position (GRCh38, 1-based): chr8:74,364,235, G>C. VCF-style: chr8-74364235-G-C. GRCh37 (hg19) VCF-style: chr8-75276470-G-C.
Other names: c.741G>C, p.Arg247Ser (NM_001040875.4); c.618G>C, p.Arg206Ser (NM_001362929.2, NM_001362932.2); c.771G>C, p.Arg257Ser (NM_001362930.2); c.694+1182G>C (NM_001362931.2); short protein forms R206S, R257S, R247S, R315S.
Identifiers: ClinVar variation 2914453 (VCV002914453.3), dbSNP rs2536750969, ClinGen allele CA371550597.
Genomic context (GRCh38, chr8:74,364,235, plus strand): 5'-TGTCAACAATATATTAATCTCTGCAGTGCTGCCAACAGCATTCCGGGTGGCCAAGAAAAG[G>C]GCCCCAAAAGTTCTTGGCACGACCCTTGTGGTTGGTTTGCTTGCAGGAGTGGGATATTTT-3'
Protein context (NP_061845.2, residues 305-325): LPTAFRVAKK[Arg315Ser]APKVLGTTLV